The following is an entry in ClinVar:

ClinVar aggregate classification (germline): Uncertain significance (1 of 4 stars; one submission).

Allele frequency attached by ClinVar (database versions not stated): ESP Exome Variant Server 0.00008.
gnomAD v4.1: 1 of 1,592,464 alleles (0.000063%); highest among the groups gnomAD compares: East Asian, 0.0023%; no homozygotes.

Submission:

Labcorp Genetics (formerly Invitae), Labcorp
Classification: Uncertain significance. Last evaluated: 2018-05-18. Review status: criteria provided, single submitter. Criteria: Invitae Variant Classification Sherloc (09022015). Collection method: clinical testing. Allele origin: germline.
Comment: In summary, the available evidence is currently insufficient to determine the role of this variant in disease. Therefore, it has been classified as a Variant of Uncertain Significance. The p.Arg1914 amino acid residue in NBAS has been determined to be clinically significant (PMID: 27789416, 28031453, 20577004, 28425089). This suggests that variants that disrupt this residue are likely to be causative of disease. Algorithms developed to predict the effect of missense changes on protein structure and function (SIFT, PolyPhen-2, Align-GVGD) all suggest that this variant is likely to be disruptive, but these predictions have not been confirmed by published functional studies and their clinical significance is uncertain. This variant has not been reported in the literature in individuals with NBAS-related disease. This variant is not present in population databases (ExAC no frequency). This sequence change replaces arginine with leucine at codon 1914 of the NBAS protein (p.Arg1914Leu). The arginine residue is highly conserved and there is a moderate physicochemical difference between arginine and leucine.

Literature cited by the submitters: PubMed 27789416; PubMed 28031453; PubMed 20577004; PubMed 28425089.

NM_015909.4(NBAS):c.5741G>T (p.Arg1914Leu)

Gene: NBAS (NBAS subunit of NRZ tethering complex; minus strand). Cytogenetic location: 2p24.3.
Variant type: single nucleotide variant.
Coding change: c.5741G>T on transcript NM_015909.4 (MANE Select); coding-DNA position 5741, G replaced by T.
Protein change: p.Arg1914Leu; replaces arginine 1914 with leucine.
Molecular consequence: missense variant. On other transcripts: non-coding transcript variant (1).
Genome position (GRCh38, 1-based): chr2:15,238,670, C>A on the plus strand (G>T on the coding strand, the complement: NBAS is on the minus strand). VCF-style: chr2-15238670-C-A. GRCh37 (hg19) VCF-style: chr2-15378794-C-A.
Other names: short protein forms R1914L.
Identifiers: ClinVar variation 1056104 (VCV001056104.9), dbSNP rs369698072, ClinGen allele CA42599655.
Genomic context (GRCh38, chr2:15,238,670, plus strand): 5'-TTCCTTGGCTTCTCAATAAAATGTTTGACTGTCTTAATAGCCTTTCTAGTCATCTCTTTA[C>A]GGGCTTCCACAGACAGCTTAAAAAAAAGAATAGTGAGACCAAAGAACCCTGCATTATTAC-3'
Protein context (NP_056993.2, residues 1904-1924): KAVTKLSVEA[Arg1914Leu]KEMTRKAIKT